The following is an entry in ClinVar:

ClinVar aggregate classification (germline): Uncertain significance (1 of 4 stars; one submission).

Submission:

GeneDx
Classification: Uncertain significance. Last evaluated: 2022-09-30. Review status: criteria provided, single submitter. Criteria: GeneDx Variant Classification Process June 2021. Collection method: clinical testing. Allele origin: germline. Affected: yes.
Comment: Not observed at significant frequency in large population cohorts (gnomAD); In silico analysis supports that this missense variant does not alter protein structure/function; Has not been previously published as pathogenic or benign to our knowledge

NM_014991.6(WDFY3):c.5731T>G (p.Ser1911Ala)

Gene: WDFY3 (WD repeat and FYVE domain containing 3; minus strand). Cytogenetic location: 4q21.23.
Variant type: single nucleotide variant.
Coding change: c.5731T>G on transcript NM_014991.6 (MANE Select); coding-DNA position 5731, T replaced by G.
Protein change: p.Ser1911Ala; replaces serine 1911 with alanine.
Molecular consequence: missense variant.
Genome position (GRCh38, 1-based): chr4:84,753,705, A>C on the plus strand (T>G on the coding strand, the complement: WDFY3 is on the minus strand). VCF-style: chr4-84753705-A-C. GRCh37 (hg19) VCF-style: chr4-85674858-A-C.
Other names: short protein forms S1911A.
Identifiers: ClinVar variation 2446536 (VCV002446536.1), dbSNP rs2532453043, ClinGen allele CA357561456.
Genomic context (GRCh38, chr4:84,753,705, plus strand): 5'-CCAGTTCTGACATTCTAATTCCAGTTCTGACATTTTCCTCCCCCTTTCCTACCATCTCTG[A>C]GTAAGGGCGAATATTGAAGGGGAAGACGGTGGCTGCTAATGCACACAGGAAGTCAGGGCT-3'
Protein context (NP_055806.2, residues 1901-1921): TVFPFNIRPY[Ser1911Ala]EMVTDLDDEV